The following is an entry in ClinVar:

NM_001621.5(AHR):c.220G>A (p.Val74Ile)

Gene: AHR (aryl hydrocarbon receptor; plus strand). Cytogenetic location: 7p21.1.
Variant type: single nucleotide variant.
Coding change: c.220G>A on transcript NM_001621.5 (MANE Select); coding-DNA position 220, G replaced by A.
Protein change: p.Val74Ile; replaces valine 74 with isoleucine.
Molecular consequence: missense variant.
Genome position (GRCh38, 1-based): chr7:17,310,090, G>A. VCF-style: chr7-17310090-G-A. GRCh37 (hg19) VCF-style: chr7-17349714-G-A.
Other names: short protein forms V74I.
Identifiers: ClinVar variation 845384 (VCV000845384.6), dbSNP rs545782208, ClinGen allele CA4171743.

ClinVar aggregate classification (germline): Uncertain significance (1 of 4 stars; one submission).

Allele frequency attached by ClinVar (database versions not stated): gnomAD 0.00002; TOPMed 0.00002; gnomAD exomes 0.00004; ExAC 0.00005; 1000 Genomes Project 30x 0.00016; 1000 Genomes Project 0.00020.
gnomAD v4.1: 25 of 1,613,808 alleles (0.0015%); highest among the groups gnomAD compares: East Asian, 0.0045%; no homozygotes.

Submission:

Labcorp Genetics (formerly Invitae), Labcorp
Classification: Uncertain significance. Last evaluated: 2022-07-06. Review status: criteria provided, single submitter. Criteria: Invitae Variant Classification Sherloc (09022015). Collection method: clinical testing. Allele origin: germline.
Comment: This sequence change replaces valine, which is neutral and non-polar, with isoleucine, which is neutral and non-polar, at codon 74 of the AHR protein (p.Val74Ile). This variant is present in population databases (rs545782208, gnomAD 0.03%). This variant has not been reported in the literature in individuals affected with AHR-related conditions. ClinVar contains an entry for this variant (Variation ID: 845384). Algorithms developed to predict the effect of missense changes on protein structure and function are either unavailable or do not agree on the potential impact of this missense change (SIFT: "Deleterious"; PolyPhen-2: "Benign"; Align-GVGD: "Class C25"). In summary, the available evidence is currently insufficient to determine the role of this variant in disease. Therefore, it has been classified as a Variant of Uncertain Significance.